The following is an entry in ClinVar:

ClinVar aggregate classification (germline): Uncertain significance (1 of 4 stars; one submission).

Conditions:
Episodic kinesigenic dyskinesia 1 (EKD1). Also called: DYSTONIA, FAMILIAL PAROXYSMAL; PRRT2-Related Paroxysmal Kinesigenic Dyskinesia (PKD); PAROXYSMAL KINESIGENIC CHOREOATHETOSIS; Dystonia 10; PxMD-PRRT2. Identifiers: Orphanet 98809, MedGen C4552000, MONDO:0100352, OMIM 128200, MONDO:0007494.

Submission:

Labcorp Genetics (formerly Invitae), Labcorp
Classification: Uncertain significance for Episodic kinesigenic dyskinesia. Last evaluated: 2016-07-19. Review status: criteria provided, single submitter. Criteria: Invitae Variant Classification Sherloc (09022015). Collection method: clinical testing. Allele origin: germline.
Comment: A gross duplication of the genomic region encompassing the full coding sequence of the PRRT2 gene has been identified. The boundaries of this event are unknown as the duplication extends beyond the assayed region for this gene and therefore may encompass additional genes. As the precise location of this duplication is unknown, it may be in tandem or it may be located elsewhere in the genome. A focal duplication involving only PRRT2 has not been reported in the literature. However, a larger recurrent duplication of 550 kb including the entire PRRT2 gene and 27 neighboring genes has been reported in individuals with the 16p11.2 duplication syndrome (PMID: 24372385, 26629640, 19914906, 25421402, 26742926). In summary, this variant is a novel whole gene duplication with uncertain impact on protein function. It has been classified as a Variant of Uncertain Significance.

NC_000016.9:g.(?_29824311)_(29827202_?)dup

Genes: MVP-DT (MVP divergent transcript; minus strand), PRRT2 (proline rich transmembrane protein 2; plus strand), LOC130058790 (ATAC-STARR-seq lymphoblastoid active region 10679; plus strand). Cytogenetic location: 16p11.2.
Variant type: Duplication.
Identifiers: ClinVar variation 417331 (VCV000417331.1).